The following is an entry in ClinVar:

NM_006005.3(WFS1):c.1657G>A (p.Gly553Ser)

Gene: WFS1 (wolframin ER transmembrane glycoprotein; plus strand). Cytogenetic location: 4p16.1.
Variant type: single nucleotide variant.
Coding change: c.1657G>A on transcript NM_006005.3 (MANE Select); coding-DNA position 1657, G replaced by A.
Protein change: p.Gly553Ser; replaces glycine 553 with serine.
Molecular consequence: missense variant.
Genome position (GRCh38, 1-based): chr4:6,301,452, G>A. VCF-style: chr4-6301452-G-A. GRCh37 (hg19) VCF-style: chr4-6303179-G-A.
Other names: c.1657G>A, p.Gly553Ser (NM_001145853.1); short protein forms G553S.
Identifiers: ClinVar variation 215359 (VCV000215359.17), dbSNP rs150840308, ClinGen allele CA321171.
Genomic context (GRCh38, chr4:6,301,452, plus strand): 5'-CCCTACCTGGTGTGCTTCATGTGGTGTGAGCTCTCCGTGGTCATCCTGCTGGAGTCCACC[G>A]GCCTGGGGCTGCTCCGCGCCTCCATCGGCTACTTCCTCTTCCTCTTTGCCCTCCCCATCC-3'
Protein context (NP_005996.2, residues 543-563): LSVVILLEST[Gly553Ser]LGLLRASIGY

ClinVar aggregate classification (germline): Conflicting classifications of pathogenicity. Review status: criteria provided, conflicting classifications (1 of 4 stars). 5 submissions from 5 submitters: Uncertain significance (3); Likely benign (2). Last evaluated 2025-10-16.

Conditions:
Inborn genetic diseases. Identifiers: MedGen C0950123, MeSH D030342.
Wolfram syndrome 1 (WFS1). Identifiers: Orphanet 3463, MedGen C4551693, MONDO:0009101, OMIM 222300.

Allele frequency attached by ClinVar (database versions not stated): gnomAD 0.00009; TOPMed 0.00009; ESP Exome Variant Server 0.00015.
gnomAD v4.1: 138 of 1,612,396 alleles (0.0086%); highest among the groups gnomAD compares: Admixed American, 0.032%; no homozygotes.

Submissions (5):

Labcorp Genetics (formerly Invitae), Labcorp
Classification: Likely benign. Last evaluated: 2025-10-16. Review status: criteria provided, single submitter. Criteria: Invitae Variant Classification Sherloc (09022015). Collection method: clinical testing. Allele origin: germline.

GeneDx
Classification: Uncertain significance. Last evaluated: 2025-06-10. Review status: criteria provided, single submitter. Criteria: GeneDx Variant Classification Process June 2021. Collection method: clinical testing. Allele origin: germline. Affected: yes.
Comment: In silico analysis suggests that this missense variant does not alter protein structure/function; Has not been previously published as pathogenic or benign to our knowledge

Blueprint Genetics
Classification: Uncertain significance. Last evaluated: 2022-11-16. Review status: criteria provided, single submitter. Criteria: ACMG Guidelines, 2015. Collection method: clinical testing. Allele origin: germline.

Ambry Genetics
Classification: Uncertain significance for Inborn genetic diseases. Last evaluated: 2021-07-15. Review status: criteria provided, single submitter. Criteria: Ambry Variant Classification Scheme 2023. Collection method: clinical testing. Allele origin: germline.

Clinical Genomics, Uppaluri K&H Personalized Medicine Clinic
Classification: Likely benign for Wolfram syndrome 1. Review status: criteria provided, single submitter. Criteria: K & H Uppaluri Personalized Medicine Clinic Variant Classification & Assertion Criteria_Updated V.1. Collection method: research. Allele origin: unknown. Inheritance: Autosomal recessive inheritance.
Comment: Potent mutations in WFS1 gene are associated with Wolfram's syndrome, an autosomal recessive condition, which cause diabetes mellitus, diabetes insipidus, deafness and optic atrophy.However no sufficient evidence is found to ascertain the role of this particular variant rs150840308 in Wolfram's syndrome yet.

Literature cited by the submitters: PubMed 20738327 (cited by Clinical Genomics, Uppaluri K&H Personalized Medicine Clinic); PubMed 33879153 (cited by Clinical Genomics, Uppaluri K&H Personalized Medicine Clinic); PubMed 12955714 (cited by Clinical Genomics, Uppaluri K&H Personalized Medicine Clinic); PubMed 18060660 (cited by Clinical Genomics, Uppaluri K&H Personalized Medicine Clinic); PubMed 20301750 (cited by Clinical Genomics, Uppaluri K&H Personalized Medicine Clinic); PubMed 17603484 (cited by Clinical Genomics, Uppaluri K&H Personalized Medicine Clinic).